The following is an entry in ClinVar:

ClinVar aggregate classification (germline): Uncertain significance (1 of 4 stars; one submission).

Conditions:
Familial thoracic aortic aneurysm and aortic dissection (TAAD). Also called: Thoracic aortic aneurysms and dissections. Identifiers: Orphanet 91387, MedGen C4707243, MONDO:0019625.

Allele frequency attached by ClinVar (database versions not stated): gnomAD exomes below 0.00001.
gnomAD v4.1: 1 of 1,613,258 alleles (0.000062%); highest among the groups gnomAD compares: Non-Finnish European, 0.000085%; no homozygotes.

Submission:

Color Diagnostics, LLC DBA Color Health
Classification: Uncertain significance for Familial thoracic aortic aneurysm and aortic dissection. Last evaluated: 2023-12-05. Review status: criteria provided, single submitter. Criteria: ACMG Guidelines, 2015. Collection method: clinical testing. Allele origin: germline.
Comment: Variant of Uncertain Significance due to insufficient evidence: This missense variant replaces leucine with phenylalanine at codon 2870 in the C-terminal region of the FBN1 protein. Computational prediction tools and conservation analyses suggest that this variant may have deleterious impact on the protein function. Computational splicing tools suggest that this variant may not impact RNA splicing. To our knowledge, functional assays have not been performed for this variant nor has this variant been reported in individuals affected with cardiovascular disorders in the literature. This variant is rare in the general population and has been identified in 0/277264 chromosomes by the Genome Aggregation Database (gnomAD). Available evidence is insufficient to determine the pathogenicity of this variant conclusively.

NM_000138.5(FBN1):c.8608C>T (p.Leu2870Phe)

Gene: FBN1 (fibrillin 1; minus strand). Cytogenetic location: 15q21.1.
Variant type: single nucleotide variant.
Coding change: c.8608C>T on transcript NM_000138.5 (MANE Select); coding-DNA position 8608, C replaced by T.
Protein change: p.Leu2870Phe; replaces leucine 2870 with phenylalanine.
Molecular consequence: missense variant.
Genome position (GRCh38, 1-based): chr15:48,410,998, G>A on the plus strand (C>T on the coding strand, the complement: FBN1 is on the minus strand). VCF-style: chr15-48410998-G-A. GRCh37 (hg19) VCF-style: chr15-48703195-G-A.
Other names: short protein forms L2870F.
Identifiers: ClinVar variation 927302 (VCV000927302.5), dbSNP rs2042856175, ClinGen allele CA392318399.